The following is an entry in ClinVar:

NM_001605.3(AARS1):c.1671+7C>T

Gene: AARS1 (alanyl-tRNA synthetase 1; minus strand). Cytogenetic location: 16q22.1.
Variant type: single nucleotide variant.
Coding change: c.1671+7C>T on transcript NM_001605.3 (MANE Select); 7 bases into the intron after coding-DNA position 1671, C replaced by T.
Molecular consequence: intron variant.
Genome position (GRCh38, 1-based): chr16:70,262,339, G>A on the plus strand (C>T on the coding strand, the complement: AARS1 is on the minus strand). VCF-style: chr16-70262339-G-A. GRCh37 (hg19) VCF-style: chr16-70296242-G-A.
Identifiers: ClinVar variation 704580 (VCV000704580.11), dbSNP rs747794570, ClinGen allele CA8140737.

ClinVar aggregate classification (germline): Likely benign. Review status: criteria provided, multiple submitters, no conflicts (2 of 4 stars). 2 submissions from 2 submitters: Likely benign (2). Last evaluated 2026-03-14.

Conditions:
AARS1-related disorder. Also called: AARS1-related condition.
Charcot-Marie-Tooth disease type 2. Also called: Charcot-Marie-Tooth type 2. Identifiers: Orphanet 64746, MedGen C0270914, MONDO:0018993.

Allele frequency attached by ClinVar (database versions not stated): ExAC 0.00002; gnomAD exomes 0.00002 and 0.00003; gnomAD 0.00005 and 0.00007; TOPMed 0.00014.
gnomAD v4.1: 24 of 1,614,028 alleles (0.0015%); highest among the groups gnomAD compares: Admixed American, 0.028%; no homozygotes.

Submissions (2):

PreventionGenetics, part of Exact Sciences
Classification: Likely benign for AARS1-related condition. Last evaluated: 2026-03-14. Review status: criteria provided, single submitter. Criteria: ACMG Guidelines, 2015. Collection method: clinical testing. Allele origin: germline.
Comment: This variant is classified as likely benign based on ACMG/AMP sequence variant interpretation guidelines (Richards et al. 2015 PMID: 25741868, with internal and published modifications).

Labcorp Genetics (formerly Invitae), Labcorp
Classification: Likely benign for Charcot-Marie-Tooth disease type 2. Last evaluated: 2025-12-21. Review status: criteria provided, single submitter. Criteria: Invitae Variant Classification Sherloc (09022015). Collection method: clinical testing. Allele origin: germline.